The following is an entry in ClinVar:

ClinVar aggregate classification (germline): Uncertain significance (1 of 4 stars; one submission).

Allele frequency attached by ClinVar (database versions not stated): gnomAD 0.00001; TOPMed 0.00002.

Submission:

Women's Health and Genetics/Laboratory Corporation of America, LabCorp
Classification: Uncertain significance. Last evaluated: 2022-05-23. Review status: criteria provided, single submitter. Criteria: LabCorp Variant Classification Summary - May 2015. Collection method: clinical testing. Allele origin: germline.
Comment: Variant summary: FAM161A c.2020G>T (p.Glu674X) results in a premature termination codon, predicted to cause a truncation of the encoded protein, disrupting the last 43 amino acids. Truncations downstream of this position have not been classified by our laboratory or cited in online databases (ClinVar, HGMD, LOVD). The variant was absent in 238240 control chromosomes (gnomAD). The available data on variant occurrences in the general population are insufficient to allow any conclusion about variant significance. To our knowledge, no occurrence of c.2020G>T in individuals affected with Retinitis Pigmentosa and no experimental evidence demonstrating its impact on protein function have been reported. No clinical diagnostic laboratories have submitted clinical-significance assessments for this variant to ClinVar after 2014. Based on the evidence outlined above, the variant was classified as uncertain significance.

NM_001201543.2(FAM161A):c.2020G>T (p.Glu674Ter)

Gene: FAM161A (FAM161 centrosomal protein A; minus strand). Cytogenetic location: 2p15.
Variant type: single nucleotide variant.
Coding change: c.2020G>T on transcript NM_001201543.2 (MANE Select); coding-DNA position 2020, G replaced by T.
Protein change: p.Glu674Ter; replaces glutamic acid 674 with a stop codon.
Molecular consequence: nonsense. On other transcripts: non-coding transcript variant (1).
Genome position (GRCh38, 1-based): chr2:61,826,586, C>A on the plus strand (G>T on the coding strand, the complement: FAM161A is on the minus strand). VCF-style: chr2-61826586-C-A. GRCh37 (hg19) VCF-style: chr2-62053721-C-A.
Other names: c.1852G>T, p.Glu618Ter (NM_032180.3); short protein forms E618*, E674*.
Identifiers: ClinVar variation 1696178 (VCV001696178.1), dbSNP rs998875938, ClinGen allele CA48469982.